The following is an entry in ClinVar:

ClinVar aggregate classification (germline): Uncertain significance. Review status: criteria provided, single submitter (1 of 4 stars). 2 submissions from 2 submitters: Uncertain significance (1). 1 of the submissions does not count toward it. Last evaluated 2020-12-11.

Conditions:
OTOGL-related disorder. Also called: OTOGL-related condition.

Allele frequency attached by ClinVar (database versions not stated): gnomAD 0.00003 and 0.00004; gnomAD exomes 0.00005 and 0.00006; ExAC 0.00006; TOPMed 0.00006; ESP Exome Variant Server 0.00023.
gnomAD v4.1: 101 of 1,590,314 alleles (0.0064%); highest among the groups gnomAD compares: Middle Eastern, 0.017%; no homozygotes.

Submissions (2):

GeneDx
Classification: Uncertain significance. Last evaluated: 2020-12-11. Review status: criteria provided, single submitter. Criteria: GeneDx Variant Classification Process June 2021. Collection method: clinical testing. Allele origin: germline. Affected: yes.
Comment: Has not been previously published as pathogenic or benign to our knowledge; In-silico analysis, which includes splice predictors and evolutionary conservation, is inconclusive as to whether the variant alters gene splicing. In the absence of RNA/functional studies, the actual effect of this sequence change is unknown.

PreventionGenetics, part of Exact Sciences
Classification: Likely benign for OTOGL-related condition. Last evaluated: 2019-03-12. Review status: no assertion criteria provided. Collection method: clinical testing. Allele origin: germline. Not counted in ClinVar's aggregate classification.
Comment: This variant is classified as likely benign based on ACMG/AMP sequence variant interpretation guidelines (Richards et al. 2015 PMID: 25741868, with internal and published modifications).

NM_001378609.3(OTOGL):c.6122-8C>A

Gene: OTOGL (otogelin like; plus strand). Cytogenetic location: 12q21.31.
Variant type: single nucleotide variant.
Coding change: c.6122-8C>A on transcript NM_001378609.3 (MANE Select); 8 bases into the intron before coding-DNA position 6122, C replaced by A.
Molecular consequence: intron variant.
Genome position (GRCh38, 1-based): chr12:80,358,663, C>A. VCF-style: chr12-80358663-C-A. GRCh37 (hg19) VCF-style: chr12-80752443-C-A.
Other names: c.5987-8C>A (NM_001368062.3); c.6122-8C>A (NM_001378610.3, NM_173591.7); c.6095-8C>A (NM_173591.3).
Identifiers: ClinVar variation 1197779 (VCV001197779.4), dbSNP rs373997499, ClinGen allele CA6701927.